The following is an entry in ClinVar:

ClinVar aggregate classification (germline): Uncertain significance (1 of 4 stars; one submission).

Allele frequency attached by ClinVar (database versions not stated): TOPMed below 0.00001; gnomAD 0.00001; gnomAD exomes 0.00001.
gnomAD v4.1: 5 of 1,210,120 alleles (0.00041%); highest among the groups gnomAD compares: Non-Finnish European, 0.00056%; no homozygotes.

Submission:

Labcorp Genetics (formerly Invitae), Labcorp
Classification: Uncertain significance. Last evaluated: 2022-05-27. Review status: criteria provided, single submitter. Criteria: Invitae Variant Classification Sherloc (09022015). Collection method: clinical testing. Allele origin: germline.
Comment: This sequence change replaces asparagine, which is neutral and polar, with aspartic acid, which is acidic and polar, at codon 1402 of the NEXMIF protein (p.Asn1402Asp). In summary, the available evidence is currently insufficient to determine the role of this variant in disease. Therefore, it has been classified as a Variant of Uncertain Significance. Algorithms developed to predict the effect of missense changes on protein structure and function (SIFT, PolyPhen-2, Align-GVGD) all suggest that this variant is likely to be tolerated. This variant has not been reported in the literature in individuals affected with NEXMIF-related conditions. This variant is not present in population databases (gnomAD no frequency).

NM_001008537.3(NEXMIF):c.4204A>G (p.Asn1402Asp)

Gene: NEXMIF (neurite extension and migration factor; minus strand). Cytogenetic location: Xq13.3.
Variant type: single nucleotide variant.
Coding change: c.4204A>G on transcript NM_001008537.3 (MANE Select); coding-DNA position 4204, A replaced by G.
Protein change: p.Asn1402Asp; replaces asparagine 1402 with aspartic acid.
Molecular consequence: missense variant.
Genome position (GRCh38, 1-based): chrX:74,740,353, T>C on the plus strand (A>G on the coding strand, the complement: NEXMIF is on the minus strand). VCF-style: chrX-74740353-T-C. GRCh37 (hg19) VCF-style: chrX-73960188-T-C.
Other names: short protein forms N1402D.
Identifiers: ClinVar variation 1426356 (VCV001426356.8), dbSNP rs1345044083, ClinGen allele CA413663793.